The following is an entry in ClinVar:

ClinVar aggregate classification (germline): Likely benign (0 of 4 stars; one submission).

Conditions:
MYO7B-related disorder. Also called: MYO7B-related condition.

gnomAD v4.1: 3 of 1,582,874 alleles (0.00019%); highest among the groups gnomAD compares: African/African-American, 0.0013%; no homozygotes.

Submission:

PreventionGenetics, part of Exact Sciences
Classification: Likely benign for MYO7B-related condition. Last evaluated: 2019-03-08. Review status: no assertion criteria provided. Collection method: clinical testing. Allele origin: germline.
Comment: This variant is classified as likely benign based on ACMG/AMP sequence variant interpretation guidelines (Richards et al. 2015 PMID: 25741868, with internal and published modifications).

NM_001393586.1(MYO7B):c.849+3G>A

Gene: MYO7B (myosin VIIB; plus strand). Cytogenetic location: 2q14.3.
Variant type: single nucleotide variant.
Coding change: c.849+3G>A on transcript NM_001393586.1 (MANE Select); 3 bases into the intron after coding-DNA position 849, G replaced by A.
Molecular consequence: intron variant.
Genome position (GRCh38, 1-based): chr2:127,576,711, G>A. VCF-style: chr2-127576711-G-A. GRCh37 (hg19) VCF-style: chr2-128334286-G-A.
Other names: c.849+3G>A (NM_001080527.2).
Identifiers: ClinVar variation 3352847 (VCV003352847.1).